The following is an entry in ClinVar:

ClinVar aggregate classification (germline): Uncertain significance (1 of 4 stars; one submission).

Allele frequency attached by ClinVar (database versions not stated): gnomAD exomes below 0.00001; TOPMed below 0.00001; ExAC 0.00001.
gnomAD v4.1: 5 of 1,612,510 alleles (0.00031%); highest among the groups gnomAD compares: Admixed American, 0.0067%; no homozygotes.

Submission:

Labcorp Genetics (formerly Invitae), Labcorp
Classification: Uncertain significance. Last evaluated: 2022-05-17. Review status: criteria provided, single submitter. Criteria: Invitae Variant Classification Sherloc (09022015). Collection method: clinical testing. Allele origin: germline.
Comment: This sequence change replaces methionine, which is neutral and non-polar, with threonine, which is neutral and polar, at codon 979 of the LARS protein (p.Met979Thr). This variant is present in population databases (rs757545621, gnomAD 0.003%). This variant has not been reported in the literature in individuals affected with LARS-related conditions. Algorithms developed to predict the effect of missense changes on protein structure and function are either unavailable or do not agree on the potential impact of this missense change (SIFT: "Not Available"; PolyPhen-2: "Benign"; Align-GVGD: "Not Available"). In summary, the available evidence is currently insufficient to determine the role of this variant in disease. Therefore, it has been classified as a Variant of Uncertain Significance.

NM_020117.11(LARS1):c.2936T>C (p.Met979Thr)

Gene: LARS1 (leucyl-tRNA synthetase 1; minus strand). Cytogenetic location: 5q32.
Variant type: single nucleotide variant.
Coding change: c.2936T>C on transcript NM_020117.11 (MANE Select); coding-DNA position 2936, T replaced by C.
Protein change: p.Met979Thr; replaces methionine 979 with threonine.
Molecular consequence: missense variant.
Genome position (GRCh38, 1-based): chr5:146,126,490, A>G on the plus strand (T>C on the coding strand, the complement: LARS1 is on the minus strand). VCF-style: chr5-146126490-A-G. GRCh37 (hg19) VCF-style: chr5-145506053-A-G.
Other names: c.2798T>C, p.Met933Thr (NM_001317964.2); c.2774T>C, p.Met925Thr (NM_001317965.2); c.2855T>C, p.Met952Thr (NM_016460.4); short protein forms M925T, M952T, M933T, M979T.
Identifiers: ClinVar variation 1906904 (VCV001906904.2), dbSNP rs757545621, ClinGen allele CA3489169.